The following is an entry in ClinVar:

NM_173598.6(KSR2):c.1033G>A (p.Val345Ile)

Gene: KSR2 (kinase suppressor of ras 2; minus strand). Cytogenetic location: 12q24.22.
Variant type: single nucleotide variant.
Coding change: c.1033G>A on transcript NM_173598.6 (MANE Select); coding-DNA position 1033, G replaced by A.
Protein change: p.Val345Ile; replaces valine 345 with isoleucine.
Molecular consequence: missense variant.
Genome position (GRCh38, 1-based): chr12:117,667,612, C>T on the plus strand (G>A on the coding strand, the complement: KSR2 is on the minus strand). VCF-style: chr12-117667612-C-T. GRCh37 (hg19) VCF-style: chr12-118105417-C-T.
Other names: c.946G>A (NM_173598.4); short protein forms V345I.
Identifiers: ClinVar variation 2706103 (VCV002706103.5), dbSNP rs776051980, ClinGen allele CA6816154.

ClinVar aggregate classification (germline): Likely benign. Review status: criteria provided, single submitter (1 of 4 stars). 2 submissions from 2 submitters: Likely benign (1). 1 of the submissions does not count toward it. Last evaluated 2025-01-06.

Conditions:
KSR2-related disorder. Also called: KSR2-related condition.

Allele frequency attached by ClinVar (database versions not stated): gnomAD 0.00007; gnomAD exomes 0.00007; TOPMed 0.00008; ExAC 0.00024.
gnomAD v4.1: 104 of 1,611,558 alleles (0.0065%); highest among the groups gnomAD compares: Admixed American, 0.13%; no homozygotes.

Submissions (2):

Labcorp Genetics (formerly Invitae), Labcorp
Classification: Likely benign. Last evaluated: 2025-01-06. Review status: criteria provided, single submitter. Criteria: Invitae Variant Classification Sherloc (09022015). Collection method: clinical testing. Allele origin: germline.

PreventionGenetics, part of Exact Sciences
Classification: Likely benign for KSR2-related condition. Last evaluated: 2022-03-02. Review status: no assertion criteria provided. Collection method: clinical testing. Allele origin: germline. Not counted in ClinVar's aggregate classification.
Comment: This variant is classified as likely benign based on ACMG/AMP sequence variant interpretation guidelines (Richards et al. 2015 PMID: 25741868, with internal and published modifications).